The following is an entry in ClinVar:

NM_018136.5(ASPM):c.6037C>T (p.Gln2013Ter)

Gene: ASPM (assembly factor for spindle microtubules; minus strand). Cytogenetic location: 1q31.3.
Variant type: single nucleotide variant.
Coding change: c.6037C>T on transcript NM_018136.5 (MANE Select); coding-DNA position 6037, C replaced by T.
Protein change: p.Gln2013Ter; replaces glutamine 2013 with a stop codon.
Molecular consequence: nonsense. On other transcripts: intron variant (1).
Genome position (GRCh38, 1-based): chr1:197,103,214, G>A on the plus strand (C>T on the coding strand, the complement: ASPM is on the minus strand). VCF-style: chr1-197103214-G-A. GRCh37 (hg19) VCF-style: chr1-197072344-G-A.
Other names: c.4066-7050C>T (NM_001206846.2); short protein forms Q2013*.
Identifiers: ClinVar variation 4082292 (VCV004082292.1).
Genomic context (GRCh38, chr1:197,103,214, plus strand): 5'-CACGATAAGCTGACTGTAAAGTTACTACAGCTGCTTTTGTTTTCAAATATAAATGATTCT[G>A]TTCTCTTCCAATACTGTAAGCCCTATAATACTTTTGAATCAGAAGAGCAGCTTTTTTCAT-3'

ClinVar aggregate classification (germline): Pathogenic (1 of 4 stars; one submission).

Conditions:
Microcephaly 5, primary, autosomal recessive (MCPH5). Also called: ASPM Primary Microcephaly. Identifiers: Orphanet 2512, MedGen C1837501, MONDO:0012106, OMIM 608716.

Submission:

Medical Genetics Center, Maternal and Child Health Hospital of Hubei Province
Classification: Pathogenic for Microcephaly 5, primary, autosomal recessive. Last evaluated: 2022-04-18. Review status: criteria provided, single submitter. Criteria: ACMG Guidelines, 2015. Collection method: clinical testing. Allele origin: biparental. Affected: yes.
Comment: PVS1 + PM2 + PM3_Supporting